The following is an entry in ClinVar:

NM_006516.4(SLC2A1):c.35T>A (p.Leu12His)

Gene: SLC2A1 (solute carrier family 2 member 1; minus strand). Cytogenetic location: 1p34.2.
Variant type: single nucleotide variant.
Coding change: c.35T>A on transcript NM_006516.4 (MANE Select); coding-DNA position 35, T replaced by A.
Protein change: p.Leu12His; replaces leucine 12 with histidine.
Molecular consequence: missense variant.
Genome position (GRCh38, 1-based): chr1:42,943,305, A>T on the plus strand (T>A on the coding strand, the complement: SLC2A1 is on the minus strand). VCF-style: chr1-42943305-A-T. GRCh37 (hg19) VCF-style: chr1-43408976-A-T.
Other names: short protein forms L12H.
Identifiers: ClinVar variation 2123400 (VCV002123400.5), dbSNP rs2525035044, ClinGen allele CA339964891.

ClinVar aggregate classification (germline): Uncertain significance. Review status: criteria provided, multiple submitters, no conflicts (2 of 4 stars). 2 submissions from 2 submitters: Uncertain significance (2). Last evaluated 2022-04-09.

Conditions:
GLUT1 deficiency syndrome 1, autosomal recessive. Identifiers: MedGen C3149117.

Submissions (2):

Labcorp Genetics (formerly Invitae), Labcorp
Classification: Uncertain significance for GLUT1 deficiency syndrome 1, autosomal recessive. Last evaluated: 2022-04-09. Review status: criteria provided, single submitter. Criteria: Invitae Variant Classification Sherloc (09022015). Collection method: clinical testing. Allele origin: germline.
Comment: Advanced modeling of protein sequence and biophysical properties (such as structural, functional, and spatial information, amino acid conservation, physicochemical variation, residue mobility, and thermodynamic stability) performed at Invitae indicates that this missense variant is expected to disrupt SLC2A1 protein function. In summary, the available evidence is currently insufficient to determine the role of this variant in disease. Therefore, it has been classified as a Variant of Uncertain Significance. This variant has not been reported in the literature in individuals affected with SLC2A1-related conditions. This variant is not present in population databases (gnomAD no frequency). This sequence change replaces leucine, which is neutral and non-polar, with histidine, which is basic and polar, at codon 12 of the SLC2A1 protein (p.Leu12His).

Blueprint Genetics
Classification: Uncertain significance. Last evaluated: 2021-11-18. Review status: criteria provided, single submitter. Criteria: ACMG Guidelines, 2015. Collection method: clinical testing. Allele origin: germline.